The following is an entry in ClinVar:

NM_001903.5(CTNNA1):c.1636C>G (p.Arg546Gly)

Gene: CTNNA1 (catenin alpha 1; plus strand). Cytogenetic location: 5q31.2.
Variant type: single nucleotide variant.
Coding change: c.1636C>G on transcript NM_001903.5 (MANE Select); coding-DNA position 1636, C replaced by G.
Protein change: p.Arg546Gly; replaces arginine 546 with glycine.
Molecular consequence: missense variant.
Genome position (GRCh38, 1-based): chr5:138,924,599, C>G. VCF-style: chr5-138924599-C-G. GRCh37 (hg19) VCF-style: chr5-138260288-C-G.
Other names: c.526C>G, p.Arg176Gly (NM_001324005.1, NM_001290312.1, NM_001323987.1 and 17 more transcripts); c.187C>G, p.Arg63Gly (NM_001324006.1, NM_001324007.1, NM_001324008.1 and 2 more transcripts); c.433C>G, p.Arg145Gly (NM_001324011.1); c.283C>G, p.Arg95Gly (NM_001324012.1, NM_001324013.1); c.1636C>G, p.Arg546Gly (NM_001290307.3, NM_001323982.2, NM_001323983.1 and 2 more transcripts); c.1327C>G, p.Arg443Gly (NM_001290309.3); c.1267C>G, p.Arg423Gly (NM_001290310.3); c.1543C>G, p.Arg515Gly (NM_001323986.2); short protein forms R443G, R546G, R95G, R145G, R176G, R423G, R515G, R63G.
Identifiers: ClinVar variation 4007957 (VCV004007957.1).

ClinVar aggregate classification (germline): Uncertain significance (1 of 4 stars; one submission).

Conditions:
Hereditary cancer-predisposing syndrome. Also called: Tumor predisposition; Hereditary neoplastic syndrome; Neoplastic Syndromes, Hereditary; Hereditary Cancer Syndrome. Identifiers: Orphanet 140162, MedGen C0027672, MeSH D009386, MONDO:0015356.

Submission:

Ambry Genetics
Classification: Uncertain significance for Hereditary cancer-predisposing syndrome. Last evaluated: 2025-05-23. Review status: criteria provided, single submitter. Criteria: Ambry Variant Classification Scheme 2023. Collection method: clinical testing. Allele origin: germline.
Comment: The p.R546G variant (also known as c.1636C>G), located in coding exon 11 of the CTNNA1 gene, results from a C to G substitution at nucleotide position 1636. The arginine at codon 546 is replaced by glycine, an amino acid with dissimilar properties. This amino acid position is conserved. In addition, the in silico prediction for this alteration is inconclusive. Based on the available evidence, the clinical significance of this variant remains unclear.